The following is an entry in ClinVar:

ClinVar aggregate classification (germline): Uncertain significance. Review status: criteria provided, multiple submitters, no conflicts (2 of 4 stars). 3 submissions from 3 submitters: Uncertain significance (3). Last evaluated 2025-08-04.

Conditions:
Inborn genetic diseases. Identifiers: MedGen C0950123, MeSH D030342.
Elliptocytosis 1 (EL1). Also called: PROTEIN 4.1 OF ERYTHROCYTE MEMBRANE, DEFECT OF; 4.1- TRAIT; 4.1-MINUS TRAIT; ELLIPTOCYTOSIS, RHESUS-LINKED TYPE. Identifiers: Orphanet 288, MedGen C2678497, MONDO:0012731, OMIM 611804.

Allele frequency attached by ClinVar (database versions not stated): gnomAD exomes 0.00009; TOPMed 0.00010; 1000 Genomes Project 30x 0.00047; gnomAD 0.00007; ExAC 0.00021; 1000 Genomes Project 0.00060.
gnomAD v4.1: 137 of 1,614,124 alleles (0.0085%); highest among the groups gnomAD compares: East Asian, 0.076%; no homozygotes.

Submissions (3):

Ambry Genetics
Classification: Uncertain significance for Inborn genetic diseases. Last evaluated: 2025-08-04. Review status: criteria provided, single submitter. Criteria: Ambry Variant Classification Scheme 2023. Collection method: clinical testing. Allele origin: germline.

Revvity Omics, Revvity
Classification: Uncertain significance for Elliptocytosis 1. Last evaluated: 2024-04-02. Review status: criteria provided, single submitter. Criteria: ACMG Guidelines, 2015. Collection method: clinical testing. Allele origin: germline.

Labcorp Genetics (formerly Invitae), Labcorp
Classification: Uncertain significance. Last evaluated: 2021-12-19. Review status: criteria provided, single submitter. Criteria: Invitae Variant Classification Sherloc (09022015). Collection method: clinical testing. Allele origin: germline.
Comment: This sequence change replaces valine, which is neutral and non-polar, with methionine, which is neutral and non-polar, at codon 138 of the EPB41 protein (p.Val138Met). This variant is present in population databases (rs182542991, gnomAD 0.08%). This variant has not been reported in the literature in individuals affected with EPB41-related conditions. Algorithms developed to predict the effect of missense changes on protein structure and function output the following: SIFT: "Tolerated"; PolyPhen-2: "Benign"; Align-GVGD: "Class C0". The methionine amino acid residue is found in multiple mammalian species, which suggests that this missense change does not adversely affect protein function. In summary, the available evidence is currently insufficient to determine the role of this variant in disease. Therefore, it has been classified as a Variant of Uncertain Significance.

NM_001376013.1(EPB41):c.1039G>A (p.Val347Met)

Gene: EPB41 (erythrocyte membrane protein band 4.1; plus strand). Cytogenetic location: 1p35.3.
Variant type: single nucleotide variant.
Coding change: c.1039G>A on transcript NM_001376013.1 (MANE Select); coding-DNA position 1039, G replaced by A.
Protein change: p.Val347Met; replaces valine 347 with methionine.
Molecular consequence: missense variant.
Genome position (GRCh38, 1-based): chr1:29,018,357, G>A. VCF-style: chr1-29018357-G-A. GRCh37 (hg19) VCF-style: chr1-29344869-G-A.
Other names: c.1039G>A, p.Val347Met (NM_001166005.2, NM_001166006.2, NM_001376021.1 and 7 more transcripts); c.412G>A, p.Val138Met (NM_001376022.1, NM_001376023.1, NM_001376024.1 and 7 more transcripts); c.934G>A, p.Val312Met (NM_203343.3); short protein forms V347M, V138M, V312M.
Identifiers: ClinVar variation 2045835 (VCV002045835.8), dbSNP rs182542991, ClinGen allele CA724397.